The following is an entry in ClinVar:

ClinVar aggregate classification (germline): Likely benign. Review status: criteria provided, single submitter (1 of 4 stars). 2 submissions from 2 submitters: Likely benign (1). 1 of the submissions does not count toward it. Last evaluated 2025-01-06.

Conditions:
Alzheimer disease 3 (AD3). Also called: ALZHEIMER DISEASE, FAMILIAL, 3. Identifiers: Orphanet 1020, MedGen C1843013, MONDO:0011913, OMIM 607822.
Pick disease. Also called: DEMENTIA WITH LOBAR ATROPHY AND NEURONAL CYTOPLASMIC INCLUSIONS; LOBAR ATROPHY OF BRAIN; PICK DISEASE OF BRAIN; Pick's disease; Pick Disease of the Brain. Identifiers: Orphanet 282, MedGen C0236642, MONDO:0008243, OMIM 172700.
Acne inversa, familial, 3 (ACNINV3). Identifiers: MedGen C3151038, MONDO:0013398, OMIM 613737.
Frontotemporal dementia (FTD1). Also called: Frontotemporal lobe dementia (FLDEM); WILHELMSEN-LYNCH DISEASE; FRONTOTEMPORAL DEMENTIA WITH PARKINSONISM; FRONTOTEMPORAL LOBE DEMENTIA; MULTIPLE SYSTEM TAUOPATHY WITH PRESENILE DEMENTIA; FRONTOTEMPORAL LOBAR DEGENERATION WITH TAU INCLUSIONS. Identifiers: Orphanet 282, MedGen C0338451, MONDO:0017276, OMIM 600274, HP:0002145.
PSEN1-related disorder. Also called: PSEN1-related condition.

Allele frequency attached by ClinVar (database versions not stated): gnomAD exomes 0.00001; gnomAD 0.00002; ExAC 0.00003; TOPMed 0.00004.
gnomAD v4.1: 13 of 1,613,914 alleles (0.00081%); highest among the groups gnomAD compares: East Asian, 0.029%; no homozygotes.

Submissions (2):

Labcorp Genetics (formerly Invitae), Labcorp
Classification: Likely benign for Alzheimer disease 3; Pick disease; Acne inversa, familial, 3; Frontotemporal dementia. Last evaluated: 2025-01-06. Review status: criteria provided, single submitter. Criteria: Invitae Variant Classification Sherloc (09022015). Collection method: clinical testing. Allele origin: germline.

PreventionGenetics, part of Exact Sciences
Classification: Likely benign for PSEN1-related condition. Last evaluated: 2019-07-17. Review status: no assertion criteria provided. Collection method: clinical testing. Allele origin: germline. Not counted in ClinVar's aggregate classification.
Comment: This variant is classified as likely benign based on ACMG/AMP sequence variant interpretation guidelines (Richards et al. 2015 PMID: 25741868, with internal and published modifications).

NM_000021.4(PSEN1):c.1071A>G (p.Ser357=)

Gene: PSEN1 (presenilin 1; plus strand). Cytogenetic location: 14q24.2.
Variant type: single nucleotide variant.
Coding change: c.1071A>G on transcript NM_000021.4 (MANE Select); coding-DNA position 1071, A replaced by G.
Protein change: p.Ser357=; no amino-acid change (serine 357 retained).
Molecular consequence: synonymous variant.
Genome position (GRCh38, 1-based): chr14:73,211,884, A>G. VCF-style: chr14-73211884-A-G. GRCh37 (hg19) VCF-style: chr14-73678592-A-G.
Other names: c.1071A>G (NM_000021.3); c.1059A>G, p.Ser353= (NM_007318.3).
Identifiers: ClinVar variation 2197336 (VCV002197336.6), dbSNP rs778800054, ClinGen allele CA7256916.